The following is an entry in ClinVar:

NM_001267550.2(TTN):c.4480+1G>T

Genes: TTN (titin; minus strand), LOC101927055 (uncharacterized LOC101927055; plus strand). Cytogenetic location: 2q31.2.
Variant type: single nucleotide variant.
Coding change: c.4480+1G>T on transcript NM_001267550.2 (MANE Select); the canonical splice donor site of the intron after coding-DNA position 4480, G replaced by T.
Molecular consequence: splice donor variant. On other transcripts: non-coding transcript variant (1).
Genome position (GRCh38, 1-based): chr2:178,777,703, C>A on the plus strand (G>T on the coding strand, the complement: TTN is on the minus strand). VCF-style: chr2-178777703-C-A. GRCh37 (hg19) VCF-style: chr2-179642430-C-A.
Other names: c.4342+1G>T (NM_003319.4, NM_133437.4, NM_133432.3); c.4480+1G>T (NM_133378.4, NM_001256850.1, NM_133379.5).
Identifiers: ClinVar variation 643117 (VCV000643117.10), dbSNP rs766581255, ClinGen allele CA349467916.

ClinVar aggregate classification (germline): Likely pathogenic. Review status: criteria provided, multiple submitters, no conflicts (2 of 4 stars). 2 submissions from 2 submitters: Likely pathogenic (2). Last evaluated 2025-09-08.

Conditions:
Cardiovascular phenotype. Identifiers: MedGen CN230736.
Dilated cardiomyopathy 1G (CMD1G). Identifiers: Orphanet 154, MedGen C1858763, MONDO:0011400, OMIM 604145.
Autosomal recessive limb-girdle muscular dystrophy type 2J (LGMDR10). Also called: Limb-girdle muscular dystrophy, type 2J; MUSCULAR DYSTROPHY, LIMB-GIRDLE, AUTOSOMAL RECESSIVE 10. Identifiers: Orphanet 140922, MedGen C1837342, MONDO:0012127, OMIM 608807.

Submissions (2):

Ambry Genetics
Classification: Likely pathogenic for Cardiovascular phenotype. Last evaluated: 2025-09-08. Review status: criteria provided, single submitter. Criteria: Ambry Variant Classification Scheme 2023. Collection method: clinical testing. Allele origin: germline.
Comment: The c.4342+1G>T intronic variant results from a G to T substitution one nucleotide after coding exon 23 of the TTN gene. This exon is located in the near Z-disk region of the N2-B isoform of the titin protein and is constitutively expressed in TTN transcripts (percent spliced in or PSI 100%). This variant was reported in individual(s) with features consistent with dilated cardiomyopathy (Ambry internal data). This variant disrupts the canonical splice site and is expected to cause aberrant splicing, resulting in an abnormal protein or a transcript that is subject to nonsense-mediated mRNA decay. While loss of function variants in TTN are present in 1-3% of the general population, truncating variants (a category that includes canonical splice site variants) in the A-band are the most common cause of dilated cardiomyopathy (DCM) (Herman DS et al. N. Engl. J. Med., 2012 Feb;366:619-28; Roberts AM et al. Sci Transl Med, 2015 Jan;7:270ra6). TTN truncating variants encoded in constitutive exons (PSI >90%) have been found to be significantly associated with DCM regardless of their position in titin (Schafer S et al. Nat. Genet., 2017 01;49:46-53; Akhtar MM et al. Circ Heart Fail, 2020 Oct;13:e006832; Massier M et al. Clin Genet, 2025 Jan). Based on the majority of available evidence to date, this variant is likely to be pathogenic.

Labcorp Genetics (formerly Invitae), Labcorp
Classification: Likely pathogenic for Dilated cardiomyopathy 1G; Autosomal recessive limb-girdle muscular dystrophy type 2J. Last evaluated: 2024-10-18. Review status: criteria provided, single submitter. Criteria: Invitae Variant Classification Sherloc (09022015). Collection method: clinical testing. Allele origin: germline.
Comment: This sequence change affects a donor splice site in intron 25 of the TTN gene. It is expected to disrupt RNA splicing and likely results in a truncated or disrupted TTN protein. This variant is not present in population databases (gnomAD no frequency). This variant has not been reported in the literature in individuals affected with TTN-related conditions. ClinVar contains an entry for this variant (Variation ID: 643117). Algorithms developed to predict the effect of sequence changes on RNA splicing suggest that this variant may disrupt the consensus splice site. This variant is located in the Z band of TTN (PMID: 25589632). Truncating variants in this region have been reported in individuals affected with autosomal recessive centronuclear myopathy (PMID: 33449170, internal data). Truncating variants in this region have also been identified in individuals affected with autosomal dominant dilated cardiomyopathy and/or cardio-related conditions (PMID: 27869827, 32964742, internal data). In summary, the currently available evidence indicates that the variant is pathogenic, but additional data are needed to prove that conclusively. Therefore, this variant has been classified as Likely Pathogenic.

Literature cited by the submitters: PubMed 25589632 (cited by Labcorp Genetics (formerly Invitae), Labcorp); PubMed 33449170 (cited by Labcorp Genetics (formerly Invitae), Labcorp); PubMed 27869827 (cited by Labcorp Genetics (formerly Invitae), Labcorp); PubMed 32964742 (cited by Labcorp Genetics (formerly Invitae), Labcorp).